The following is an entry in ClinVar:

ClinVar aggregate classification (germline): Uncertain significance (1 of 4 stars; one submission).

Allele frequency attached by ClinVar (database versions not stated): ExAC 0.00001.
gnomAD v4.1: 32 of 1,613,874 alleles (0.002%); highest among the groups gnomAD compares: Non-Finnish European, 0.0026%; no homozygotes.

Submission:

Ambry Genetics
Classification: Uncertain significance. Last evaluated: 2022-12-18. Review status: criteria provided, single submitter. Criteria: Ambry Variant Classification Scheme 2023. Collection method: clinical testing. Allele origin: germline.
Comment: The p.M279V variant (also known as c.835A>G), located in coding exon 3 of the TERF2IP gene, results from an A to G substitution at nucleotide position 835. The methionine at codon 279 is replaced by valine, an amino acid with highly similar properties. This amino acid position is conserved. In addition, this alteration is predicted to be tolerated by in silico analysis. Since supporting evidence is limited at this time, the clinical significance of this alteration remains unclear.

NM_018975.4(TERF2IP):c.835A>G (p.Met279Val)

Gene: TERF2IP (TERF2 interacting protein; plus strand). Cytogenetic location: 16q23.1.
Variant type: single nucleotide variant.
Coding change: c.835A>G on transcript NM_018975.4 (MANE Select); coding-DNA position 835, A replaced by G.
Protein change: p.Met279Val; replaces methionine 279 with valine.
Molecular consequence: missense variant. On other transcripts: non-coding transcript variant (1).
Genome position (GRCh38, 1-based): chr16:75,656,246, A>G. VCF-style: chr16-75656246-A-G. GRCh37 (hg19) VCF-style: chr16-75690144-A-G.
Other names: short protein forms M279V.
Identifiers: ClinVar variation 2497021 (VCV002497021.2), dbSNP rs771418819, ClinGen allele CA8178111.